The following is an entry in ClinVar:

NM_000368.5(TSC1):c.1912G>T (p.Asp638Tyr)

Gene: TSC1 (TSC complex subunit 1; minus strand). Cytogenetic location: 9q34.13.
Variant type: single nucleotide variant.
Coding change: c.1912G>T on transcript NM_000368.5 (MANE Select); coding-DNA position 1912, G replaced by T.
Protein change: p.Asp638Tyr; replaces aspartic acid 638 with tyrosine.
Molecular consequence: missense variant. On other transcripts: non-coding transcript variant (5).
Genome position (GRCh38, 1-based): chr9:132,905,666, C>A on the plus strand (G>T on the coding strand, the complement: TSC1 is on the minus strand). VCF-style: chr9-132905666-C-A. GRCh37 (hg19) VCF-style: chr9-135781053-C-A.
Other names: c.1759G>T, p.Asp587Tyr (NM_001162427.2, NM_001406610.1); c.1549G>T, p.Asp517Tyr (NM_001362177.2, NM_001406614.1, NM_001406615.1 and 5 more transcripts); c.1912G>T, p.Asp638Tyr (NM_001406592.1, NM_001406593.1, NM_001406594.1 and 7 more transcripts); c.1909G>T, p.Asp637Tyr (NM_001406597.1, NM_001406598.1, NM_001406599.1 and 6 more transcripts); c.1756G>T, p.Asp586Tyr (NM_001406611.1, NM_001406612.1, NM_001406613.1); c.1546G>T, p.Asp516Tyr (NM_001406620.1, NM_001406621.1, NM_001406622.1 and 2 more transcripts); c.961G>T, p.Asp321Tyr (NM_001406626.1); c.958G>T, p.Asp320Tyr (NM_001406627.1, NM_001406628.1); and 1 more; short protein forms D287Y, D320Y, D637Y, D321Y, D517Y, D586Y, D587Y, D516Y.
Identifiers: ClinVar variation 2842569 (VCV002842569.3), dbSNP rs2131813764, ClinGen allele CA375362723.
Genomic context (GRCh38, chr9:132,905,666, plus strand): 5'-CTGCTCCCTGCTGTATCAGTCTGTCCAGCACTTCCATTGGGGAGGTAGAGGGCACACCAT[C>A]TTCCTCTGTGTTTCCTTTTGCTTTCTTTAACAGCTCCTCAGTCTTCCTGATGACAAAATG-3'
Protein context (NP_000359.1, residues 628-648): LKKAKGNTEE[Asp638Tyr]GVPSTSPMEV

ClinVar aggregate classification (germline): Uncertain significance (1 of 4 stars; one submission).

Conditions:
Tuberous sclerosis 1 (TSC1). Identifiers: Orphanet 805, MedGen C1854465, MONDO:0008612, OMIM 191100.

Submission:

Labcorp Genetics (formerly Invitae), Labcorp
Classification: Uncertain significance for Tuberous sclerosis 1. Last evaluated: 2023-03-07. Review status: criteria provided, single submitter. Criteria: Invitae Variant Classification Sherloc (09022015). Collection method: clinical testing. Allele origin: germline.
Comment: This variant is not present in population databases (gnomAD no frequency). This variant has not been reported in the literature in individuals affected with TSC1-related conditions. Advanced modeling of protein sequence and biophysical properties (such as structural, functional, and spatial information, amino acid conservation, physicochemical variation, residue mobility, and thermodynamic stability) performed at Invitae indicates that this missense variant is not expected to disrupt TSC1 protein function. In summary, the available evidence is currently insufficient to determine the role of this variant in disease. Therefore, it has been classified as a Variant of Uncertain Significance. This sequence change replaces aspartic acid, which is acidic and polar, with tyrosine, which is neutral and polar, at codon 638 of the TSC1 protein (p.Asp638Tyr).